The following is an entry in ClinVar:

NM_000466.3(PEX1):c.1987G>A (p.Asp663Asn)

Gene: PEX1 (peroxisomal biogenesis factor 1; minus strand). Cytogenetic location: 7q21.2.
Variant type: single nucleotide variant.
Coding change: c.1987G>A on transcript NM_000466.3 (MANE Select); coding-DNA position 1987, G replaced by A.
Protein change: p.Asp663Asn; replaces aspartic acid 663 with asparagine.
Molecular consequence: missense variant. On other transcripts: intron variant (1).
Genome position (GRCh38, 1-based): chr7:92,504,816, C>T on the plus strand (G>A on the coding strand, the complement: PEX1 is on the minus strand). VCF-style: chr7-92504816-C-T. GRCh37 (hg19) VCF-style: chr7-92134130-C-T.
Other names: c.1363G>A, p.Asp455Asn (NM_001282678.2); c.1900+1432G>A (NM_001282677.2); short protein forms D663N, D455N.
Identifiers: ClinVar variation 2083986 (VCV002083986.4), dbSNP rs780226375, ClinGen allele CA4341244.

ClinVar aggregate classification (germline): Uncertain significance (1 of 4 stars; one submission).

Conditions:
Zellweger spectrum disorders (ZS). Also called: Zellweger Spectrum Disorder (ZSD); Zellweger Spectrum Disorder; Zellweger Spectrum; Zellweger syndrome. Identifiers: Orphanet 912, MedGen C0043459, MONDO:0019609.

Allele frequency attached by ClinVar (database versions not stated): TOPMed below 0.00001; ExAC 0.00001; gnomAD 0.00001; gnomAD exomes 0.00001.
gnomAD v4.1: 4 of 1,613,956 alleles (0.00025%); highest among the groups gnomAD compares: African/African-American, 0.0027%; no homozygotes.

Submission:

Labcorp Genetics (formerly Invitae), Labcorp
Classification: Uncertain significance for Zellweger spectrum disorders. Last evaluated: 2023-12-06. Review status: criteria provided, single submitter. Criteria: Invitae Variant Classification Sherloc (09022015). Collection method: clinical testing. Allele origin: germline.
Comment: This sequence change replaces aspartic acid, which is acidic and polar, with asparagine, which is neutral and polar, at codon 663 of the PEX1 protein (p.Asp663Asn). This variant is present in population databases (rs780226375, gnomAD 0.007%). This variant has not been reported in the literature in individuals affected with PEX1-related conditions. ClinVar contains an entry for this variant (Variation ID: 2083986). Advanced modeling of protein sequence and biophysical properties (such as structural, functional, and spatial information, amino acid conservation, physicochemical variation, residue mobility, and thermodynamic stability) has been performed at Invitae for this missense variant, however the output from this modeling did not meet the statistical confidence thresholds required to predict the impact of this variant on PEX1 protein function. In summary, the available evidence is currently insufficient to determine the role of this variant in disease. Therefore, it has been classified as a Variant of Uncertain Significance.